The following is an entry in ClinVar:

NM_002772.3(TMPRSS15):c.2165+5G>C

Gene: TMPRSS15 (transmembrane serine protease 15; minus strand). Cytogenetic location: 21q21.1.
Variant type: single nucleotide variant.
Coding change: c.2165+5G>C on transcript NM_002772.3 (MANE Select); 5 bases into the intron after coding-DNA position 2165, G replaced by C.
Molecular consequence: intron variant.
Genome position (GRCh38, 1-based): chr21:18,312,940, C>G on the plus strand (G>C on the coding strand, the complement: TMPRSS15 is on the minus strand). VCF-style: chr21-18312940-C-G. GRCh37 (hg19) VCF-style: chr21-19685257-C-G.
Identifiers: ClinVar variation 2783620 (VCV002783620.3), dbSNP rs761002888, ClinGen allele CA2739277274.

ClinVar aggregate classification (germline): Uncertain significance (1 of 4 stars; one submission).

Submission:

Labcorp Genetics (formerly Invitae), Labcorp
Classification: Uncertain significance. Last evaluated: 2025-05-12. Review status: criteria provided, single submitter. Criteria: Invitae Variant Classification Sherloc (09022015). Collection method: clinical testing. Allele origin: germline.
Comment: This sequence change falls in intron 18 of the TMPRSS15 gene. It does not directly change the encoded amino acid sequence of the TMPRSS15 protein. It affects a nucleotide within the consensus splice site. This variant is not present in population databases (gnomAD no frequency). This variant has not been reported in the literature in individuals affected with TMPRSS15-related conditions. ClinVar contains an entry for this variant (Variation ID: 2783620). Variants that disrupt the consensus splice site are a relatively common cause of aberrant splicing (PMID: 17576681, 9536098). Algorithms developed to predict the effect of sequence changes on RNA splicing suggest that this variant may disrupt the consensus splice site. In summary, the available evidence is currently insufficient to determine the role of this variant in disease. Therefore, it has been classified as a Variant of Uncertain Significance.

Literature cited by the submitters: PubMed 17576681; PubMed 9536098.